The following is an entry in ClinVar:

NM_012208.4(HARS2):c.633+1G>A

Gene: HARS2 (histidyl-tRNA synthetase 2, mitochondrial; plus strand). Cytogenetic location: 5q31.3.
Variant type: single nucleotide variant.
Coding change: c.633+1G>A on transcript NM_012208.4 (MANE Select); the canonical splice donor site of the intron after coding-DNA position 633, G replaced by A.
Molecular consequence: splice donor variant.
Genome position (GRCh38, 1-based): chr5:140,695,846, G>A. VCF-style: chr5-140695846-G-A. GRCh37 (hg19) VCF-style: chr5-140075431-G-A.
Other names: c.201+1G>A (NM_001278732.2); c.651+1G>A (NM_001363535.2); c.558+1G>A (NM_001278731.2); c.423+1G>A (NM_001363536.2).
Identifiers: ClinVar variation 214544 (VCV000214544.5), dbSNP rs863224040, ClinGen allele CA320083.

ClinVar aggregate classification (germline): Likely pathogenic. Review status: criteria provided, multiple submitters, no conflicts (2 of 4 stars). 2 submissions from 2 submitters: Likely pathogenic (2). Last evaluated 2024-06-28.

Allele frequency attached by ClinVar (database versions not stated): gnomAD exomes below 0.00001 and 0.00001; TOPMed below 0.00001; gnomAD 0.00001.

Submissions (2):

Labcorp Genetics (formerly Invitae), Labcorp
Classification: Likely pathogenic. Last evaluated: 2024-06-28. Review status: criteria provided, single submitter. Criteria: Invitae Variant Classification Sherloc (09022015). Collection method: clinical testing. Allele origin: germline.
Comment: This sequence change affects a donor splice site in intron 6 of the HARS2 gene. It is expected to disrupt RNA splicing. Variants that disrupt the donor or acceptor splice site typically lead to a loss of protein function (PMID: 16199547), and loss-of-function variants in HARS2 are known to be pathogenic (PMID: 31827252). This variant is present in population databases (no rsID available, gnomAD 0.0009%). This variant has not been reported in the literature in individuals affected with HARS2-related conditions. ClinVar contains an entry for this variant (Variation ID: 214544). Algorithms developed to predict the effect of sequence changes on RNA splicing suggest that this variant may disrupt the consensus splice site. In summary, the currently available evidence indicates that the variant is pathogenic, but additional data are needed to prove that conclusively. Therefore, this variant has been classified as Likely Pathogenic.

GeneDx
Classification: Likely pathogenic. Last evaluated: 2024-04-15. Review status: criteria provided, single submitter. Criteria: GeneDx Variant Classification Process June 2021. Collection method: clinical testing. Allele origin: germline. Affected: yes.
Comment: Canonical splice site variant predicted to result in an in-frame loss of the adjacent exon in a gene for which loss of function is a known mechanism of disease; Not observed at significant frequency in large population cohorts (gnomAD); Has not been previously published as pathogenic or benign to our knowledge

Literature cited by the submitters: PubMed 16199547 (cited by Labcorp Genetics (formerly Invitae), Labcorp); PubMed 31827252 (cited by Labcorp Genetics (formerly Invitae), Labcorp).